The following is an entry in ClinVar:

NM_000155.4(GALT):c.414G>T (p.Thr138=)

Gene: GALT (galactose-1-phosphate uridylyltransferase; plus strand). Cytogenetic location: 9p13.3.
Variant type: single nucleotide variant.
Coding change: c.414G>T on transcript NM_000155.4 (MANE Select); coding-DNA position 414, G replaced by T.
Protein change: p.Thr138=; no amino-acid change (threonine 138 retained).
Molecular consequence: synonymous variant.
Genome position (GRCh38, 1-based): chr9:34,647,868, G>T. VCF-style: chr9-34647868-G-T. GRCh37 (hg19) VCF-style: chr9-34647865-G-T.
Other names: c.87G>T, p.Thr29= (NM_001258332.2).
Identifiers: ClinVar variation 280996 (VCV000280996.41), dbSNP rs116479817, ClinGen allele CA5036121.

ClinVar aggregate classification (germline): Benign/Likely benign. Review status: criteria provided, multiple submitters, no conflicts (2 of 4 stars). 7 submissions from 7 submitters: Benign (2); Likely benign (3). 2 of the submissions do not count toward it. Last evaluated 2026-02-04.

Conditions:
GALT-related disorder. Also called: GALT-related condition.
Galactosemia. Also called: Galactose intolerance. Identifiers: Orphanet 352, MedGen C0016952, MONDO:0018116, HP:0004919. Disease mechanism: loss of function.
Deficiency of UDPglucose-hexose-1-phosphate uridylyltransferase. Also called: GALACTOSEMIA I; GALACTOSE-1-PHOSPHATE URIDYLYLTRANSFERASE DEFICIENCY; GALT deficiency; Galactosemia, classic; Transferase Deficiency Galactosemia. Identifiers: Orphanet 352, Orphanet 79239, MedGen C0268151, MONDO:0009258, OMIM 230400.

Allele frequency attached by ClinVar (database versions not stated): 1000 Genomes Project 30x 0.00156; 1000 Genomes Project 0.00160; ESP Exome Variant Server 0.00185; TOPMed 0.00189.

Submissions (7):

Labcorp Genetics (formerly Invitae), Labcorp
Classification: Benign for Deficiency of UDPglucose-hexose-1-phosphate uridylyltransferase. Last evaluated: 2026-02-04. Review status: criteria provided, single submitter. Criteria: Invitae Variant Classification Sherloc (09022015). Collection method: clinical testing. Allele origin: germline.

CeGaT Center for Human Genetics Tuebingen
Classification: Likely benign. Last evaluated: 2026-02-01. Review status: criteria provided, single submitter. Criteria: CeGaT Center For Human Genetics Tuebingen Variant Classification Criteria Version 2. Collection method: clinical testing. Allele origin: germline. Affected: yes. Observed: 2 variant alleles.
Comment: GALT: BP4, BP7

Blueprint Genetics
Classification: Likely benign. Last evaluated: 2024-10-02. Review status: criteria provided, single submitter. Criteria: ACMG Guidelines, 2015. Collection method: clinical testing. Allele origin: germline.

Women's Health and Genetics/Laboratory Corporation of America, LabCorp
Classification: Likely benign. Last evaluated: 2017-02-01. Review status: criteria provided, single submitter. Criteria: LabCorp Variant Classification Summary - May 2015. Collection method: clinical testing. Allele origin: germline.
Comment: Variant summary: The GALT c.414G>T (p.Thr138Thr) variant involves the alteration of a non-conserved nucleotide, resulting in a synonymous change. Mutation taster predicts a damaging outcome for this variant, while 1/5 splice prediction tools predict the variant to create a splice donor site. Additionally, ESE finder predicts the creation of SRp40 binding site. However, these predictions are yet to be confirmed by functional studies. This variant was found in 66/121340 control chromosomes, predominantly observed in the African subpopulation at a frequency of 0.006255 (65/10392). This frequency is about 2 times the estimated maximal expected allele frequency of a pathogenic GALT variant (0.0028868), suggesting this is likely a benign polymorphism found primarily in the populations of African origin. In addition, one clinical diagnostic laboratory classified this variant as benign. Taken together, this variant is classified as likely benign.

Eurofins Ntd Llc (ga)
Classification: Benign. Last evaluated: 2015-09-25. Review status: criteria provided, single submitter. Criteria: EGL Classification Definitions 2015. Collection method: clinical testing. Allele origin: germline. Observed: 1 variant allele, 1 heterozygote.

PreventionGenetics, part of Exact Sciences
Classification: Likely benign for GALT-related condition. Last evaluated: 2020-06-02. Review status: no assertion criteria provided. Collection method: clinical testing. Allele origin: germline. Not counted in ClinVar's aggregate classification.
Comment: This variant is classified as likely benign based on ACMG/AMP sequence variant interpretation guidelines (Richards et al. 2015 PMID: 25741868, with internal and published modifications).

Natera, Inc.
Classification: Likely benign for Galactosemia. Last evaluated: 2018-05-22. Review status: no assertion criteria provided. Collection method: clinical testing. Allele origin: germline. Not counted in ClinVar's aggregate classification.

Literature cited by the submitters: PubMed 27308838 (cited by Women's Health and Genetics/Laboratory Corporation of America, LabCorp).